The following is an entry in ClinVar:

NM_147127.5(EVC2):c.2954A>C (p.Tyr985Ser)

Gene: EVC2 (EvC ciliary complex subunit 2; minus strand). Cytogenetic location: 4p16.2.
Variant type: single nucleotide variant.
Coding change: c.2954A>C on transcript NM_147127.5 (MANE Select); coding-DNA position 2954, A replaced by C.
Protein change: p.Tyr985Ser; replaces tyrosine 985 with serine.
Molecular consequence: missense variant.
Genome position (GRCh38, 1-based): chr4:5,584,726, T>G on the plus strand (A>C on the coding strand, the complement: EVC2 is on the minus strand). VCF-style: chr4-5584726-T-G. GRCh37 (hg19) VCF-style: chr4-5586453-T-G.
Other names: c.2714A>C, p.Tyr905Ser (NM_001166136.2); short protein forms Y905S, Y985S.
Identifiers: ClinVar variation 1393863 (VCV001393863.7), dbSNP rs753942333, ClinGen allele CA2834506.

ClinVar aggregate classification (germline): Uncertain significance. Review status: criteria provided, multiple submitters, no conflicts (2 of 4 stars). 2 submissions from 2 submitters: Uncertain significance (2). Last evaluated 2021-10-22.

Conditions:
Curry-Hall syndrome (WAD). Also called: WEYERS ACRODENTAL DYSOSTOSIS. Identifiers: Orphanet 952, MedGen C0457013, MONDO:0008673, OMIM 193530.
Ellis-van Creveld syndrome (EVC). Also called: EVC-Related Ellis-van Creveld Syndrome; EVC2-Related Ellis-van Creveld Syndrome; Chondroectodermal dysplasia; MESOECTODERMAL DYSPLASIA. Identifiers: Orphanet 289, MedGen C0013903, MONDO:0009162, OMIM 225500.

Allele frequency attached by ClinVar (database versions not stated): gnomAD exomes 0.00001; TOPMed 0.00001; ExAC 0.00002.
gnomAD v4.1: 11 of 1,614,140 alleles (0.00068%); highest among the groups gnomAD compares: Non-Finnish European, 0.00093%; no homozygotes.

Submissions (2):

Fulgent Genetics
Classification: Uncertain significance for Curry-Hall syndrome; Ellis-van Creveld syndrome. Last evaluated: 2021-10-22. Review status: criteria provided, single submitter. Criteria: ACMG Guidelines, 2015. Collection method: clinical testing. Allele origin: unknown.

Labcorp Genetics (formerly Invitae), Labcorp
Classification: Uncertain significance for Curry-Hall syndrome; Ellis-van Creveld syndrome. Last evaluated: 2021-09-17. Review status: criteria provided, single submitter. Criteria: Invitae Variant Classification Sherloc (09022015). Collection method: clinical testing. Allele origin: germline.
Comment: This sequence change replaces tyrosine with serine at codon 985 of the EVC2 protein (p.Tyr985Ser). The tyrosine residue is moderately conserved and there is a large physicochemical difference between tyrosine and serine. This variant is present in population databases (rs753942333, ExAC 0.01%). This variant has not been reported in the literature in individuals with EVC2-related conditions. Algorithms developed to predict the effect of missense changes on protein structure and function are either unavailable or do not agree on the potential impact of this missense change (SIFT: "Tolerated"; PolyPhen-2: "Possibly Damaging"; Align-GVGD: "Class C0"). In summary, the available evidence is currently insufficient to determine the role of this variant in disease. Therefore, it has been classified as a Variant of Uncertain Significance.